The following is an entry in ClinVar:

ClinVar aggregate classification (germline): Conflicting classifications of pathogenicity. Review status: criteria provided, conflicting classifications (1 of 4 stars). 4 submissions from 4 submitters: Likely pathogenic (1); Uncertain significance (3). Last evaluated 2025-07-22.

Conditions:
Hereditary cancer-predisposing syndrome. Also called: Neoplastic Syndromes, Hereditary; Tumor predisposition; Hereditary Cancer Syndrome; Hereditary neoplastic syndrome. Identifiers: Orphanet 140162, MedGen C0027672, MeSH D009386, MONDO:0015356.
Familial cancer of breast. Also called: BREAST CANCER, FAMILIAL; Hereditary breast cancer; hereditary breast carcinoma. Identifiers: Orphanet 227535, MedGen C0346153, MONDO:0016419, OMIM 114480. Disease mechanism: loss of function.

Submissions (4):

Labcorp Genetics (formerly Invitae), Labcorp
Classification: Uncertain significance for Familial cancer of breast. Last evaluated: 2025-07-22. Review status: criteria provided, single submitter. Criteria: Invitae Variant Classification Sherloc (09022015). Collection method: clinical testing. Allele origin: germline.
Comment: This sequence change replaces methionine, which is neutral and non-polar, with isoleucine, which is neutral and non-polar, at codon 1067 of the PALB2 protein (p.Met1067Ile). RNA analysis indicates that this missense change induces altered splicing and may result in an absent or altered protein product. This variant is not present in population databases (gnomAD no frequency). This variant has not been reported in the literature in individuals affected with PALB2-related conditions. ClinVar contains an entry for this variant (Variation ID: 484178). An algorithm developed to predict the effect of missense changes on protein structure and function (PolyPhen-2) suggests that this variant is likely to be tolerated. Variants that disrupt the consensus splice site are a relatively common cause of aberrant splicing (PMID: 17576681, 9536098). Studies have shown that this missense change results in skipping of exon 11, and produces a non-functional protein and/or introduces a premature termination codon (internal data). In summary, the available evidence is currently insufficient to determine the role of this variant in disease. Therefore, it has been classified as a Variant of Uncertain Significance.

Ambry Genetics
Classification: Uncertain significance for Hereditary cancer-predisposing syndrome. Last evaluated: 2025-03-24. Review status: criteria provided, single submitter. Criteria: Ambry Variant Classification Scheme 2023. Collection method: clinical testing. Allele origin: germline.
Comment: The c.3201G>A variant (also known as p.M1067I), located in coding exon 11 of the PALB2 gene, results from a G to A substitution at nucleotide position 3201. The amino acid change results in methionine to isoleucine at codon 1067, an amino acid with highly similar properties. However, this change occurs in the last base pair of coding exon 11, which makes it likely to have some effect on normal mRNA splicing. In silico splice site analysis predicts that this alteration may weaken the native splice donor site. RNA studies have demonstrated that this alteration results in an incomplete splice defect; the clinical impact of this abnormal splicing is unknown at this time (Ambry internal data). The nucleotide and amino acid positions are well conserved in available vertebrate species. In addition, as a missense variant, this alteration is predicted to be tolerated by in silico analysis. Based on the available evidence, the clinical significance of this variant remains unclear.

Baylor Genetics
Classification: Likely pathogenic for Familial cancer of breast. Last evaluated: 2022-06-24. Review status: criteria provided, single submitter. Criteria: ACMG Guidelines, 2015. Collection method: clinical testing. Allele origin: unknown.

Color Diagnostics, LLC DBA Color Health
Classification: Uncertain significance for Hereditary cancer-predisposing syndrome. Last evaluated: 2021-04-21. Review status: criteria provided, single submitter. Criteria: ACMG Guidelines, 2015. Collection method: clinical testing. Allele origin: germline.
Comment: This missense variant replaces methionine with isoleucine at codon 1067 of the PALB2 protein. Computational prediction suggests that this variant may not impact protein structure and function (internally defined REVEL score threshold <= 0.5, PMID: 27666373). To our knowledge, functional studies have not been reported for this variant. This variant has not been reported in individuals affected with hereditary cancer in the literature. This variant has not been identified in the general population by the Genome Aggregation Database (gnomAD). The available evidence is insufficient to determine the role of this variant in disease conclusively. Therefore, this variant is classified as a Variant of Uncertain Significance.

Literature cited by the submitters: PubMed 17576681 (cited by Labcorp Genetics (formerly Invitae), Labcorp); PubMed 9536098 (cited by Labcorp Genetics (formerly Invitae), Labcorp).

NM_024675.4(PALB2):c.3201G>A (p.Met1067Ile)

Gene: PALB2 (partner and localizer of BRCA2; minus strand). Cytogenetic location: 16p12.2.
Variant type: single nucleotide variant.
Coding change: c.3201G>A on transcript NM_024675.4 (MANE Select); coding-DNA position 3201, G replaced by A.
Protein change: p.Met1067Ile; replaces methionine 1067 with isoleucine.
Molecular consequence: missense variant.
Genome position (GRCh38, 1-based): chr16:23,614,004, C>T on the plus strand (G>A on the coding strand, the complement: PALB2 is on the minus strand). VCF-style: chr16-23614004-C-T. GRCh37 (hg19) VCF-style: chr16-23625325-C-T.
Other names: short protein forms M1067I.
Identifiers: ClinVar variation 484178 (VCV000484178.16), dbSNP rs1555458809, ClinGen allele CA395141087.